The following is an entry in ClinVar:

NM_002471.4(MYH6):c.358C>G (p.Leu120Val)

Genes: MYH6 (myosin heavy chain 6; minus strand), LOC114827851 (VISTA enhancer hs2155; plus strand). Cytogenetic location: 14q11.2.
Variant type: single nucleotide variant.
Coding change: c.358C>G on transcript NM_002471.4 (MANE Select); coding-DNA position 358, C replaced by G.
Protein change: p.Leu120Val; replaces leucine 120 with valine.
Molecular consequence: missense variant.
Genome position (GRCh38, 1-based): chr14:23,405,367, G>C on the plus strand (C>G on the coding strand, the complement: MYH6 is on the minus strand). VCF-style: chr14-23405367-G-C. GRCh37 (hg19) VCF-style: chr14-23874576-G-C.
Other names: short protein forms L120V.
Identifiers: ClinVar variation 2059663 (VCV002059663.5), dbSNP rs769074801, ClinGen allele CA7116183.
Genomic context (GRCh38, chr14:23,405,367, plus strand): 5'-CCACCACCTCGGCATTGTACACCGGCAGCCACTTGTAGGGGTTGACAGTGACACAGAAGA[G>C]GCCCGAGTAGGTCTGGAGCAGGAGACAAGGCTGGGCATGAGGTTGGTGGGGAGAGCCTGG-3'
Protein context (NP_002462.2, residues 110-130): AAWMIYTYSG[Leu120Val]FCVTVNPYKW

ClinVar aggregate classification (germline): Uncertain significance. Review status: criteria provided, multiple submitters, no conflicts (2 of 4 stars). 2 submissions from 2 submitters: Uncertain significance (2). Last evaluated 2022-09-12.

Conditions:
Cardiovascular phenotype. Identifiers: MedGen CN230736.
Hypertrophic cardiomyopathy 14. Identifiers: MedGen C2750467, MONDO:0013197, OMIM 613251.

Allele frequency attached by ClinVar (database versions not stated): ExAC 0.00001; gnomAD exomes 0.00001.
gnomAD v4.1: 20 of 1,614,162 alleles (0.0012%); highest among the groups gnomAD compares: Non-Finnish European, 0.0016%; no homozygotes.

Submissions (2):

Labcorp Genetics (formerly Invitae), Labcorp
Classification: Uncertain significance for Hypertrophic cardiomyopathy 14. Last evaluated: 2022-09-12. Review status: criteria provided, single submitter. Criteria: Invitae Variant Classification Sherloc (09022015). Collection method: clinical testing. Allele origin: germline.
Comment: In summary, the available evidence is currently insufficient to determine the role of this variant in disease. Therefore, it has been classified as a Variant of Uncertain Significance. Advanced modeling of protein sequence and biophysical properties (such as structural, functional, and spatial information, amino acid conservation, physicochemical variation, residue mobility, and thermodynamic stability) performed at Invitae indicates that this missense variant is expected to disrupt MYH6 protein function. This variant has not been reported in the literature in individuals affected with MYH6-related conditions. This variant is present in population databases (rs769074801, gnomAD 0.0009%). This sequence change replaces leucine, which is neutral and non-polar, with valine, which is neutral and non-polar, at codon 120 of the MYH6 protein (p.Leu120Val).

Ambry Genetics
Classification: Uncertain significance for Cardiovascular phenotype. Last evaluated: 2021-07-27. Review status: criteria provided, single submitter. Criteria: Ambry Variant Classification Scheme 2023. Collection method: clinical testing. Allele origin: germline.